The following is an entry in ClinVar:

ClinVar aggregate classification (germline): Likely benign (0 of 4 stars; one submission).

Conditions:
EPPK1-related disorder. Also called: EPPK1-related condition.

Allele frequency attached by ClinVar (database versions not stated): gnomAD exomes 0.00003; gnomAD 0.00004; TOPMed 0.00006.
gnomAD v4.1: 44 of 1,581,784 alleles (0.0028%); highest among the groups gnomAD compares: Admixed American, 0.018%; no homozygotes.

Submission:

PreventionGenetics, part of Exact Sciences
Classification: Likely benign for EPPK1-related condition. Last evaluated: 2021-05-03. Review status: no assertion criteria provided. Collection method: clinical testing. Allele origin: germline.
Comment: This variant is classified as likely benign based on ACMG/AMP sequence variant interpretation guidelines (Richards et al. 2015 PMID: 25741868, with internal and published modifications).

NM_031308.4(EPPK1):c.4509C>T (p.Ser1503=)

Gene: EPPK1 (epiplakin 1; minus strand). Cytogenetic location: 8q24.3.
Variant type: single nucleotide variant.
Coding change: c.4509C>T on transcript NM_031308.4 (MANE Select); coding-DNA position 4509, C replaced by T.
Protein change: p.Ser1503=; no amino-acid change (serine 1503 retained).
Molecular consequence: synonymous variant.
Genome position (GRCh38, 1-based): chr8:143,868,745, G>A on the plus strand (C>T on the coding strand, the complement: EPPK1 is on the minus strand). VCF-style: chr8-143868745-G-A. GRCh37 (hg19) VCF-style: chr8-144942913-G-A.
Identifiers: ClinVar variation 3032589 (VCV003032589.2), dbSNP rs782373090, ClinGen allele CA4922466.